The following is an entry in ClinVar:

ClinVar aggregate classification (germline): Likely benign (0 of 4 stars; one submission).

Conditions:
KSR2-related disorder. Also called: KSR2-related condition.

gnomAD v4.1: 4 of 1,545,894 alleles (0.00026%); highest among the groups gnomAD compares: East Asian, 0.0023%; no homozygotes.

Submission:

PreventionGenetics, part of Exact Sciences
Classification: Likely benign for KSR2-related condition. Last evaluated: 2022-08-23. Review status: no assertion criteria provided. Collection method: clinical testing. Allele origin: germline.
Comment: This variant is classified as likely benign based on ACMG/AMP sequence variant interpretation guidelines (Richards et al. 2015 PMID: 25741868, with internal and published modifications).

NM_173598.6(KSR2):c.768C>T (p.His256=)

Gene: KSR2 (kinase suppressor of ras 2; minus strand). Cytogenetic location: 12q24.23.
Variant type: single nucleotide variant.
Coding change: c.768C>T on transcript NM_173598.6 (MANE Select); coding-DNA position 768, C replaced by T.
Protein change: p.His256=; no amino-acid change (histidine 256 retained).
Molecular consequence: synonymous variant.
Genome position (GRCh38, 1-based): chr12:117,761,229, G>A on the plus strand (C>T on the coding strand, the complement: KSR2 is on the minus strand). VCF-style: chr12-117761229-G-A. GRCh37 (hg19) VCF-style: chr12-118199034-G-A.
Identifiers: ClinVar variation 3358210 (VCV003358210.1).
Genomic context (GRCh38, chr12:117,761,229, plus strand): 5'-CGTGCCCGGCGGGGTCACGGTGGTGACGATGTTGGGGGTGCGCGGCGGGGTGCGGACCGC[G>A]TGCCGCTGCCGGGGCGATGGGGGCAGGGAACGGTGGCCCGACTCCAGTGGCGGGGGCGGG-3'
Protein context (NP_775869.4, residues 246-266): RSLPPSPRQR[His256=]AVRTPPRTPN